The following is an entry in ClinVar:

NM_002677.5(PMP2):c.27G>A (p.Trp9Ter)

Gene: PMP2 (peripheral myelin protein 2; minus strand). Cytogenetic location: 8q21.13.
Variant type: single nucleotide variant.
Coding change: c.27G>A on transcript NM_002677.5 (MANE Select); coding-DNA position 27, G replaced by A.
Protein change: p.Trp9Ter; replaces tryptophan 9 with a stop codon.
Molecular consequence: nonsense.
Genome position (GRCh38, 1-based): chr8:81,447,360, C>T on the plus strand (G>A on the coding strand, the complement: PMP2 is on the minus strand). VCF-style: chr8-81447360-C-T. GRCh37 (hg19) VCF-style: chr8-82359595-C-T.
Other names: c.27G>A, p.Trp9Ter (NM_001348381.2); short protein forms W9*.
Identifiers: ClinVar variation 4811331 (VCV004811331.1).

ClinVar aggregate classification (germline): Uncertain significance (1 of 4 stars; one submission).

Submission:

Labcorp Genetics (formerly Invitae), Labcorp
Classification: Uncertain significance. Last evaluated: 2025-05-30. Review status: criteria provided, single submitter. Criteria: Invitae Variant Classification Sherloc (09022015). Collection method: clinical testing. Allele origin: germline.
Comment: This sequence change creates a premature translational stop signal (p.Trp9*) in the PMP2 gene. It is expected to result in an absent or disrupted protein product. However, the current clinical and genetic evidence is not sufficient to establish whether loss-of-function variants in PMP2 cause disease. This variant is not present in population databases (gnomAD no frequency). This variant has not been reported in the literature in individuals affected with PMP2-related conditions. Algorithms developed to predict the effect of sequence changes on RNA splicing suggest that this variant may disrupt the consensus splice site. In summary, the available evidence is currently insufficient to determine the role of this variant in disease. Therefore, it has been classified as a Variant of Uncertain Significance.